The following is an entry in ClinVar:

ClinVar aggregate classification (germline): Uncertain significance (1 of 4 stars; one submission).

Allele frequency attached by ClinVar (database versions not stated): gnomAD 0.00001; gnomAD exomes 0.00001; ExAC 0.00002.

Submission:

Labcorp Genetics (formerly Invitae), Labcorp
Classification: Uncertain significance. Last evaluated: 2022-11-17. Review status: criteria provided, single submitter. Criteria: Invitae Variant Classification Sherloc (09022015). Collection method: clinical testing. Allele origin: germline.
Comment: In summary, the available evidence is currently insufficient to determine the role of this variant in disease. Therefore, it has been classified as a Variant of Uncertain Significance. This variant has not been reported in the literature in individuals affected with FBN3-related conditions. This variant is present in population databases (rs776565687, gnomAD 0.004%). This sequence change creates a premature translational stop signal (p.Gln1575Argfs*74) in the FBN3 gene. It is expected to result in an absent or disrupted protein product. However, the current clinical and genetic evidence is not sufficient to establish whether loss-of-function variants in FBN3 cause disease.

NM_032447.5(FBN3):c.4724del (p.Gln1575fs)

Gene: FBN3 (fibrillin 3; minus strand). Cytogenetic location: 19p13.2.
Variant type: Deletion.
Coding change: c.4724del on transcript NM_032447.5 (MANE Select); coding-DNA position 4724, one base deleted (A; older notation c.4724delA).
Protein change: p.Gln1575fs; shifts the reading frame from glutamine 1575.
Molecular consequence: frameshift variant.
Genome position (GRCh38, 1-based): chr19:8,106,197, T deleted on the plus strand (A on the coding strand, the reverse complement: FBN3 is on the minus strand). VCF-style (leftmost placement, unchanged base first): chr19-8106196-CT-C. GRCh37 (hg19) VCF-style: chr19-8171080-CT-C.
Other names: c.4724del, p.Gln1575fs (NM_001321431.2); short protein forms Q1575fs.
Identifiers: ClinVar variation 2972301 (VCV002972301.3), dbSNP rs776565687, ClinGen allele CA9151940.